The following is an entry in ClinVar:

ClinVar aggregate classification (germline): Uncertain significance (1 of 4 stars; one submission).

Submission:

GeneDx
Classification: Uncertain significance. Last evaluated: 2022-09-23. Review status: criteria provided, single submitter. Criteria: GeneDx Variant Classification Process June 2021. Collection method: clinical testing. Allele origin: germline. Affected: yes.
Comment: Not observed at significant frequency in large population cohorts (gnomAD); In silico analysis supports that this missense variant does not alter protein structure/function; Has not been previously published as pathogenic or benign to our knowledge

NM_024334.3(TMEM43):c.1166T>C (p.Val389Ala)

Gene: TMEM43 (transmembrane protein 43; plus strand). Cytogenetic location: 3p25.1.
Variant type: single nucleotide variant.
Coding change: c.1166T>C on transcript NM_024334.3 (MANE Select); coding-DNA position 1166, T replaced by C.
Protein change: p.Val389Ala; replaces valine 389 with alanine.
Molecular consequence: missense variant.
Genome position (GRCh38, 1-based): chr3:14,141,758, T>C. VCF-style: chr3-14141758-T-C. GRCh37 (hg19) VCF-style: chr3-14183258-T-C.
Other names: c.1169T>C, p.Val390Ala (NM_001407274.1); c.1163T>C, p.Val388Ala (NM_001407275.1, NM_001407276.1); c.1160T>C, p.Val387Ala (NM_001407277.1); c.1151T>C, p.Val384Ala (NM_001407278.1); c.1091T>C, p.Val364Ala (NM_001407279.1); c.1016T>C, p.Val339Ala (NM_001407280.1); short protein forms V339A, V364A, V384A, V387A, V388A, V389A, V390A.
Identifiers: ClinVar variation 2446263 (VCV002446263.1), dbSNP rs2470201666, ClinGen allele CA351536659.